The following is an entry in ClinVar:

NM_015450.3(POT1):c.702+4A>G

Gene: POT1 (protection of telomeres 1; minus strand). Cytogenetic location: 7q31.33.
Variant type: single nucleotide variant.
Coding change: c.702+4A>G on transcript NM_015450.3 (MANE Select); 4 bases into the intron after coding-DNA position 702, A replaced by G.
Molecular consequence: intron variant.
Genome position (GRCh38, 1-based): chr7:124,858,953, T>C on the plus strand (A>G on the coding strand, the complement: POT1 is on the minus strand). VCF-style: chr7-124858953-T-C. GRCh37 (hg19) VCF-style: chr7-124499007-T-C.
Other names: c.309+4A>G (NM_001042594.2).
Identifiers: ClinVar variation 970754 (VCV000970754.9), dbSNP rs1795514122, ClinGen allele CA369055944.

ClinVar aggregate classification (germline): Uncertain significance. Review status: criteria provided, multiple submitters, no conflicts (2 of 4 stars). 2 submissions from 2 submitters: Uncertain significance (2). Last evaluated 2026-01-19.

Conditions:
Tumor predisposition syndrome 3 (TPDS3). Also called: Melanoma, cutaneous malignant, susceptibility to, 10; Glioma susceptibility 9; LONG TELOMERE SYNDROME, POT1-RELATED; POT1 Tumor Predisposition. Identifiers: Orphanet 618, MedGen C4014476, MONDO:0014368, OMIM 615848.

Submissions (2):

Labcorp Genetics (formerly Invitae), Labcorp
Classification: Uncertain significance for Tumor predisposition syndrome 3. Last evaluated: 2026-01-19. Review status: criteria provided, single submitter. Criteria: Invitae Variant Classification Sherloc (09022015). Collection method: clinical testing. Allele origin: germline.
Comment: This sequence change falls in intron 9 of the POT1 gene. It does not directly change the encoded amino acid sequence of the POT1 protein. It affects a nucleotide within the consensus splice site. This variant is not present in population databases (gnomAD no frequency). This variant has not been reported in the literature in individuals affected with POT1-related conditions. ClinVar contains an entry for this variant (Variation ID: 970754). Variants that disrupt the consensus splice site are a relatively common cause of aberrant splicing (PMID: 17576681, 9536098). Algorithms developed to predict the effect of sequence changes on RNA splicing suggest that this variant may disrupt the consensus splice site. In summary, the available evidence is currently insufficient to determine the role of this variant in disease. Therefore, it has been classified as a Variant of Uncertain Significance.

GeneDx
Classification: Uncertain significance. Last evaluated: 2023-12-05. Review status: criteria provided, single submitter. Criteria: GeneDx Variant Classification Process June 2021. Collection method: clinical testing. Allele origin: germline. Affected: yes.
Comment: Not observed at significant frequency in large population cohorts (gnomAD); In silico analysis supports a deleterious effect on splicing; Has not been previously published as pathogenic or benign to our knowledge

Literature cited by the submitters: PubMed 17576681 (cited by Labcorp Genetics (formerly Invitae), Labcorp); PubMed 9536098 (cited by Labcorp Genetics (formerly Invitae), Labcorp).